The following is an entry in ClinVar:

NM_007186.6(CEP250):c.2627C>T (p.Ala876Val)

Genes: CEP250 (centrosomal protein 250; plus strand), CEP250-AS1 (CEP250 antisense RNA 1; minus strand). Cytogenetic location: 20q11.22.
Variant type: single nucleotide variant.
Coding change: c.2627C>T on transcript NM_007186.6 (MANE Select); coding-DNA position 2627, C replaced by T.
Protein change: p.Ala876Val; replaces alanine 876 with valine.
Molecular consequence: missense variant.
Genome position (GRCh38, 1-based): chr20:35,490,677, C>T. VCF-style: chr20-35490677-C-T. GRCh37 (hg19) VCF-style: chr20-34078503-C-T.
Other names: c.2627C>T (NM_007186.3); c.731C>T, p.Ala244Val (NM_001318219.1); short protein forms A244V, A876V.
Identifiers: ClinVar variation 1515304 (VCV001515304.8), dbSNP rs534168614, ClinGen allele CA9833237.
Genomic context (GRCh38, chr20:35,490,677, plus strand): 5'-TGTTTCCTTCATGTGGCCAGGAGAAGGAGCGCTCCTGGCACCAGCAGGAGCTGGCAAAGG[C>T]TCTGGAGAGCTTAGAAAGGGAAAAAATGGAGCTGGAAATGAGGCTAAAGGAGCAGCAGAC-3'
Protein context (NP_009117.2, residues 866-886): RSWHQQELAK[Ala876Val]LESLEREKME

ClinVar aggregate classification (germline): Conflicting classifications of pathogenicity. Review status: criteria provided, conflicting classifications (1 of 4 stars). 3 submissions from 3 submitters: Uncertain significance (2); Benign (1). Last evaluated 2024-10-09.

Allele frequency attached by ClinVar (database versions not stated): TOPMed 0.00002; gnomAD 0.00004; gnomAD exomes 0.00010 and 0.00018; 1000 Genomes Project 30x 0.00016; ExAC 0.00016; 1000 Genomes Project 0.00020.
gnomAD v4.1: 145 of 1,613,710 alleles (0.009%); highest among the groups gnomAD compares: South Asian, 0.16%; no homozygotes.

Submissions (3):

Blueprint Genetics
Classification: Benign. Last evaluated: 2024-10-09. Review status: criteria provided, single submitter. Criteria: ACMG Guidelines, 2015. Collection method: clinical testing. Allele origin: germline.

Labcorp Genetics (formerly Invitae), Labcorp
Classification: Uncertain significance. Last evaluated: 2022-11-22. Review status: criteria provided, single submitter. Criteria: Invitae Variant Classification Sherloc (09022015). Collection method: clinical testing. Allele origin: germline.
Comment: In summary, the available evidence is currently insufficient to determine the role of this variant in disease. Therefore, it has been classified as a Variant of Uncertain Significance. Algorithms developed to predict the effect of missense changes on protein structure and function output the following: SIFT: "Not Available"; PolyPhen-2: "Benign"; Align-GVGD: "Not Available". The valine amino acid residue is found in multiple mammalian species, which suggests that this missense change does not adversely affect protein function. ClinVar contains an entry for this variant (Variation ID: 1515304). This variant has not been reported in the literature in individuals affected with CEP250-related conditions. This variant is present in population databases (rs534168614, gnomAD 0.1%). This sequence change replaces alanine, which is neutral and non-polar, with valine, which is neutral and non-polar, at codon 876 of the CEP250 protein (p.Ala876Val).

Ambry Genetics
Classification: Uncertain significance. Last evaluated: 2022-06-09. Review status: criteria provided, single submitter. Criteria: Ambry Variant Classification Scheme 2023. Collection method: clinical testing. Allele origin: germline.